The following is an entry in ClinVar:

NM_001364905.1(LRBA):c.1819A>G (p.Thr607Ala)

Gene: LRBA (LPS responsive beige-like anchor protein; minus strand). Cytogenetic location: 4q31.3.
Variant type: single nucleotide variant.
Coding change: c.1819A>G on transcript NM_001364905.1 (MANE Select); coding-DNA position 1819, A replaced by G.
Protein change: p.Thr607Ala; replaces threonine 607 with alanine.
Molecular consequence: missense variant.
Genome position (GRCh38, 1-based): chr4:150,900,154, T>C on the plus strand (A>G on the coding strand, the complement: LRBA is on the minus strand). VCF-style: chr4-150900154-T-C. GRCh37 (hg19) VCF-style: chr4-151821306-T-C.
Other names: c.1819A>G, p.Thr607Ala (NM_001199282.3, NM_001367550.1, NM_001440430.1 and 2 more transcripts); short protein forms T607A.
Identifiers: ClinVar variation 4773883 (VCV004773883.1).

ClinVar aggregate classification (germline): Uncertain significance (1 of 4 stars; one submission).

Conditions:
Combined immunodeficiency due to LRBA deficiency. Also called: Common variable immunodeficiency 8, with autoimmunity. Identifiers: Orphanet 445018, MedGen C3553512, MONDO:0013863, OMIM 614700.

Submission:

Labcorp Genetics (formerly Invitae), Labcorp
Classification: Uncertain significance for Combined immunodeficiency due to LRBA deficiency. Last evaluated: 2025-10-11. Review status: criteria provided, single submitter. Criteria: Invitae Variant Classification Sherloc (09022015). Collection method: clinical testing. Allele origin: germline.
Comment: This sequence change replaces threonine, which is neutral and polar, with alanine, which is neutral and non-polar, at codon 607 of the LRBA protein (p.Thr607Ala). This variant is not present in population databases (gnomAD no frequency). This variant has not been reported in the literature in individuals affected with LRBA-related conditions. Invitae Evidence Modeling of protein sequence and biophysical properties (such as structural, functional, and spatial information, amino acid conservation, physicochemical variation, residue mobility, and thermodynamic stability) indicates that this missense variant is not expected to disrupt LRBA protein function with a negative predictive value of 80%. In summary, the available evidence is currently insufficient to determine the role of this variant in disease. Therefore, it has been classified as a Variant of Uncertain Significance.